The following is an entry in ClinVar:

NM_006904.7(PRKDC):c.7855C>T (p.Arg2619Cys)

Gene: PRKDC (protein kinase, DNA-activated, catalytic subunit; minus strand). Cytogenetic location: 8q11.21.
Variant type: single nucleotide variant.
Coding change: c.7855C>T on transcript NM_006904.7 (MANE Select); coding-DNA position 7855, C replaced by T.
Protein change: p.Arg2619Cys; replaces arginine 2619 with cysteine.
Molecular consequence: missense variant.
Genome position (GRCh38, 1-based): chr8:47,836,434, G>A on the plus strand (C>T on the coding strand, the complement: PRKDC is on the minus strand). VCF-style: chr8-47836434-G-A. GRCh37 (hg19) VCF-style: chr8-48748995-G-A.
Other names: c.7855C>T, p.Arg2619Cys (NM_001081640.2); short protein forms R2619C.
Identifiers: ClinVar variation 1062424 (VCV001062424.9), dbSNP rs371346677, ClinGen allele CA4740003.

ClinVar aggregate classification (germline): Uncertain significance (1 of 4 stars; one submission).

Conditions:
Severe combined immunodeficiency due to DNA-PKcs deficiency. Also called: Immunodeficiency 26 with or without neurologic abnormalities; IMMUNODEFICIENCY 26 WITH NEUROLOGIC ABNORMALITIES. Identifiers: Orphanet 317425, MedGen C4014833, MONDO:0014423, OMIM 615966.

Allele frequency attached by ClinVar (database versions not stated): gnomAD 0.00003; TOPMed 0.00003; ExAC 0.00004; ESP Exome Variant Server 0.00008.
gnomAD v4.1: 23 of 1,612,822 alleles (0.0014%); highest among the groups gnomAD compares: Middle Eastern, 0.016%; no homozygotes.

Submission:

Labcorp Genetics (formerly Invitae), Labcorp
Classification: Uncertain significance for Severe combined immunodeficiency due to DNA-PKcs deficiency. Last evaluated: 2025-02-24. Review status: criteria provided, single submitter. Criteria: Invitae Variant Classification Sherloc (09022015). Collection method: clinical testing. Allele origin: germline.
Comment: This sequence change replaces arginine, which is basic and polar, with cysteine, which is neutral and slightly polar, at codon 2619 of the PRKDC protein (p.Arg2619Cys). This variant is present in population databases (rs371346677, gnomAD 0.003%). This variant has not been reported in the literature in individuals affected with PRKDC-related conditions. ClinVar contains an entry for this variant (Variation ID: 1062424). Invitae Evidence Modeling of protein sequence and biophysical properties (such as structural, functional, and spatial information, amino acid conservation, physicochemical variation, residue mobility, and thermodynamic stability) indicates that this missense variant is expected to disrupt PRKDC protein function with a positive predictive value of 80%. In summary, the available evidence is currently insufficient to determine the role of this variant in disease. Therefore, it has been classified as a Variant of Uncertain Significance.